The following is an entry in ClinVar:

NM_001370259.2(MEN1):c.1549A>C (p.Lys517Gln)

Gene: MEN1 (menin 1; minus strand). Cytogenetic location: 11q13.1.
Variant type: single nucleotide variant.
Coding change: c.1549A>C on transcript NM_001370259.2 (MANE Select); coding-DNA position 1549, A replaced by C.
Protein change: p.Lys517Gln; replaces lysine 517 with glutamine.
Molecular consequence: missense variant. On other transcripts: non-coding transcript variant (4).
Genome position (GRCh38, 1-based): chr11:64,804,618, T>G on the plus strand (A>C on the coding strand, the complement: MEN1 is on the minus strand). VCF-style: chr11-64804618-T-G. GRCh37 (hg19) VCF-style: chr11-64572090-T-G.
Other names: c.1564A>C, p.Lys522Gln (NM_001407145.1, NM_000244.4, NM_130800.3 and 4 more transcripts); c.1549A>C, p.Lys517Gln (NM_001407146.1, NM_001407147.1, NM_130799.3 and 2 more transcripts); c.1444A>C, p.Lys482Gln (NM_001407148.1, NM_001407149.1, NM_001370262.2 and 1 more transcripts); c.1690A>C, p.Lys564Gln (NM_001407150.1); c.1570A>C, p.Lys524Gln (NM_001407151.1); c.1384A>C, p.Lys462Gln (NM_001407152.1); c.1675A>C, p.Lys559Gln (NM_001370251.2, NM_001407142.1, NM_001407143.1 and 1 more transcripts); short protein forms K462Q, K482Q, K522Q, K524Q, K559Q, K517Q, K564Q.
Identifiers: ClinVar variation 4053808 (VCV004053808.1).

ClinVar aggregate classification (germline): Uncertain significance (1 of 4 stars; one submission).

Conditions:
Hereditary cancer-predisposing syndrome. Also called: Neoplastic Syndromes, Hereditary; Tumor predisposition; Hereditary neoplastic syndrome; Hereditary Cancer Syndrome. Identifiers: Orphanet 140162, MedGen C0027672, MeSH D009386, MONDO:0015356.

gnomAD v4.1: 1 of 1,608,276 alleles (0.000062%); highest among the groups gnomAD compares: Non-Finnish European, 0.000085%; no homozygotes.

Submission:

Ambry Genetics
Classification: Uncertain significance for Hereditary cancer-predisposing syndrome. Last evaluated: 2025-05-07. Review status: criteria provided, single submitter. Criteria: Ambry Variant Classification Scheme 2023. Collection method: clinical testing. Allele origin: germline.
Comment: The p.K517Q variant (also known as c.1549A>C), located in coding exon 9 of the MEN1 gene, results from an A to C substitution at nucleotide position 1549. The lysine at codon 517 is replaced by glutamine, an amino acid with similar properties. This amino acid position is conserved. In addition, this alteration is predicted to be tolerated by in silico analysis. Based on the available evidence, the clinical significance of this variant remains unclear.